The following is an entry in ClinVar:

NM_001395413.1(POR):c.889G>A (p.Glu297Lys)

Genes: POR (cytochrome p450 oxidoreductase; plus strand), LOC126860075 (CDK7 strongly-dependent group 2 enhancer GRCh37_chr7:75612087-75613286; plus strand). Cytogenetic location: 7q11.23.
Variant type: single nucleotide variant.
Coding change: c.889G>A on transcript NM_001395413.1 (MANE Select); coding-DNA position 889, G replaced by A.
Protein change: p.Glu297Lys; replaces glutamic acid 297 with lysine.
Molecular consequence: missense variant.
Genome position (GRCh38, 1-based): chr7:75,983,587, G>A. VCF-style: chr7-75983587-G-A. GRCh37 (hg19) VCF-style: chr7-75612905-G-A.
Other names: c.889G>A, p.Glu297Lys (NM_001367562.3, NM_001382657.2, NM_001382658.3 and 2 more transcripts); c.943G>A, p.Glu315Lys (NM_001382655.3); short protein forms E297K, E315K.
Identifiers: ClinVar variation 909475 (VCV000909475.16), dbSNP rs11540674, ClinGen allele CA4303886.
Genomic context (GRCh38, chr7:75,983,587, plus strand): 5'-GATGCCAAGAATCCGTTCCTGGCTGCAGTCACCACCAACCGGAAGCTGAACCAGGGAACC[G>A]AGCGCCACCTCATGCACCTGGAATTGGACATCTCGGACTCCAAAATCAGGTACCAGCTGC-3'
Protein context (NP_001382342.1, residues 287-307): TTNRKLNQGT[Glu297Lys]RHLMHLELDI

ClinVar aggregate classification (germline): Conflicting classifications of pathogenicity. Review status: criteria provided, conflicting classifications (1 of 4 stars). 4 submissions from 4 submitters: Uncertain significance (1); Benign (3). Last evaluated 2026-01-27.

Conditions:
Antley-Bixler syndrome with genital anomalies and disordered steroidogenesis (ABS1). Also called: POR Deficiency. Identifiers: Orphanet 63269, MedGen C3150099, MONDO:0008726, OMIM 201750.
Congenital adrenal hyperplasia due to cytochrome P450 oxidoreductase deficiency. Also called: DISORDERED STEROIDOGENESIS DUE TO POR DEFICIENCY. Identifiers: Orphanet 95699, MedGen C1860042, MONDO:0013310, OMIM 613571.

Allele frequency attached by ClinVar (database versions not stated): 1000 Genomes Project 30x 0.00016; 1000 Genomes Project 0.00020; gnomAD exomes 0.00036 and 0.00074; gnomAD 0.00044; ExAC 0.00048; TOPMed 0.00049; ESP Exome Variant Server 0.00071.
gnomAD v4.1: 625 of 1,613,054 alleles (0.039%); highest among the groups gnomAD compares: Middle Eastern, 0.25%; 4 homozygotes.

Submissions (4):

Labcorp Genetics (formerly Invitae), Labcorp
Classification: Benign for Congenital adrenal hyperplasia due to cytochrome P450 oxidoreductase deficiency. Last evaluated: 2026-01-27. Review status: criteria provided, single submitter. Criteria: Invitae Variant Classification Sherloc (09022015). Collection method: clinical testing. Allele origin: germline.

Women's Health and Genetics/Laboratory Corporation of America, LabCorp
Classification: Benign. Last evaluated: 2023-03-16. Review status: criteria provided, single submitter. Criteria: LabCorp Variant Classification Summary - May 2015. Collection method: clinical testing. Allele origin: germline.
Comment: Variant summary: POR c.889G>A (p.Glu297Lys) results in a conservative amino acid change in the encoded protein sequence. Two of four in-silico tools predict a benign effect of the variant on protein function. The variant allele was found at a frequency of 0.00074 in 249048 control chromosomes (gnomAD), predominantly at a frequency of 0.014 within the Ashkenazi Jewish subpopulation in the gnomAD database, including 2 homozygotes. The observed variant frequency within Ashkenazi Jewish control individuals in the gnomAD database is approximately 15 fold of the estimated maximal expected allele frequency for a pathogenic variant in POR causing Congenital Adrenal Hyperplasia phenotype (0.00091), strongly suggesting that the variant is a benign polymorphism found primarily in populations of Ashkenazi Jewish origin. Experimental studies by Agrawal_2008 evaluating the variants impact on protein function has shown that the variant does not impact 17-alpha hydroxylase or 17,20 lyase activity. Nor does it impact Cytochrome C reduction or NADPH oxidation. The variant did induce lower levels of CYP1A2 and CYP2C19 activity in vivo (84% and 81%, respectively), but the authors consider this as within normal limits. Two ClinVar submitters have assessed the variant since 2014: one classified the variant benign, and one classified the variant as of uncertain significance. Based on the evidence outlined above, the variant was classified as benign.

Department of Pathology and Laboratory Medicine, Sinai Health System
Classification: Benign for Antley-Bixler syndrome with genital anomalies and disordered steroidogenesis. Last evaluated: 2020-08-28. Review status: criteria provided, single submitter. Criteria: ACMG Guidelines, 2015. Collection method: research. Allele origin: germline.

Illumina Laboratory Services, Illumina
Classification: Uncertain significance for Congenital adrenal hyperplasia due to cytochrome P450 oxidoreductase deficiency. Last evaluated: 2017-04-27. Review status: criteria provided, single submitter. Criteria: ICSL Variant Classification Criteria 13 December 2019. Collection method: clinical testing. Allele origin: germline.
Comment: This variant was observed as part of a predisposition screen in an ostensibly healthy population. A literature search was performed for the gene, cDNA change, and amino acid change (where applicable). Publications were found based on this search. However, the evidence from the literature, in combination with allele frequency data from public databases where available, was not sufficient to rule this variant in or out of causing disease. Therefore, this variant is classified as a variant of unknown significance.

Literature cited by the submitters: PubMed 18551037 (cited by Women's Health and Genetics/Laboratory Corporation of America, LabCorp and Illumina Laboratory Services, Illumina); PubMed 22462747 (cited by Illumina Laboratory Services, Illumina); PubMed 18230729 (cited by Illumina Laboratory Services, Illumina); PubMed 18930113 (cited by Illumina Laboratory Services, Illumina).